The following is an entry in ClinVar:

ClinVar aggregate classification (germline): Likely pathogenic (1 of 4 stars; one submission).

Conditions:
Autosomal recessive nonsyndromic hearing loss 77. Identifiers: Orphanet 90636, MedGen C2746083, MONDO:0013119, OMIM 613079.

Submission:

Natera, Inc.
Classification: Likely pathogenic for Autosomal recessive deafness type 77. Last evaluated: 2024-09-01. Review status: criteria provided, single submitter. Criteria: Natera Variant Classification Schema (03/2026). Collection method: clinical testing. Allele origin: germline.
Comment: The c.4264del variant in LOXHD1 is a frameshift variant predicted to shift the reading frame beginning at codon 1422 and leads to a stop codon 20 codons downstream. This variant is expected to result in nonsense mediated decay, truncation, or a dysfunctional protein product. This variant is rare in the general population with a frequency below the threshold expected for the associated phenotype(s). Given the available evidence, this variant is classified as Likely Pathogenic.

NM_001384474.1(LOXHD1):c.4264del (p.Asp1422fs)

Gene: LOXHD1 (lipoxygenase homology PLAT domains 1; minus strand). Cytogenetic location: 18q21.1.
Variant type: Deletion.
Coding change: c.4264del on transcript NM_001384474.1 (MANE Select); coding-DNA position 4264, one base deleted (G; older notation c.4264delG).
Protein change: p.Asp1422fs; shifts the reading frame from aspartic acid 1422.
Molecular consequence: frameshift variant.
Genome position (GRCh38, 1-based): chr18:46,533,273, C deleted on the plus strand (G on the coding strand, the reverse complement: LOXHD1 is on the minus strand); the first of 2 consecutive C bases (chr18:46,533,273-46,533,274); deleting either gives the same sequence. VCF-style (leftmost placement, unchanged base first): chr18-46533272-TC-T. GRCh37 (hg19) VCF-style: chr18-44113235-TC-T.
Other names: c.931del, p.Asp311fs (NM_001145472.3); c.643del, p.Asp215fs (NM_001308013.2); c.4264del, p.Asp1422fs (NM_144612.7); short protein forms D1422fs, D215fs, D311fs.
Identifiers: ClinVar variation 4816825 (VCV004816825.1).